The following is an entry in ClinVar:

NM_022437.3(ABCG8):c.891C>T (p.Ala297=)

Gene: ABCG8 (ATP binding cassette subfamily G member 8; plus strand). Cytogenetic location: 2p21.
Variant type: single nucleotide variant.
Coding change: c.891C>T on transcript NM_022437.3 (MANE Select); coding-DNA position 891, C replaced by T.
Protein change: p.Ala297=; no amino-acid change (alanine 297 retained).
Molecular consequence: synonymous variant.
Genome position (GRCh38, 1-based): chr2:43,852,795, C>T. VCF-style: chr2-43852795-C-T. GRCh37 (hg19) VCF-style: chr2-44079934-C-T.
Other names: c.891C>T, p.Ala297= (NM_001357321.2).
Identifiers: ClinVar variation 1765107 (VCV001765107.4), dbSNP rs1244482920, ClinGen allele CA425754321.

ClinVar aggregate classification (germline): Likely benign. Review status: criteria provided, single submitter (1 of 4 stars). 2 submissions from 2 submitters: Likely benign (1). 1 of the submissions does not count toward it. Last evaluated 2020-01-30.

Conditions:
ABCG8-related disorder. Also called: ABCG8-related condition.
Cardiovascular phenotype. Identifiers: MedGen CN230736.

Allele frequency attached by ClinVar (database versions not stated): gnomAD exomes below 0.00001; gnomAD 0.00001.
gnomAD v4.1: 3 of 1,614,008 alleles (0.00019%); highest among the groups gnomAD compares: Non-Finnish European, 0.00025%; no homozygotes.

Submissions (2):

Ambry Genetics
Classification: Likely benign for Cardiovascular phenotype. Last evaluated: 2020-01-30. Review status: criteria provided, single submitter. Criteria: Ambry Variant Classification Scheme 2023. Collection method: clinical testing. Allele origin: germline.

PreventionGenetics, part of Exact Sciences
Classification: Likely benign for ABCG8-related condition. Last evaluated: 2022-08-24. Review status: no assertion criteria provided. Collection method: clinical testing. Allele origin: germline. Not counted in ClinVar's aggregate classification.
Comment: This variant is classified as likely benign based on ACMG/AMP sequence variant interpretation guidelines (Richards et al. 2015 PMID: 25741868, with internal and published modifications).